The following is an entry in ClinVar:

NM_006030.4(CACNA2D2):c.3397C>T (p.Pro1133Ser)

Genes: CACNA2D2 (calcium voltage-gated channel auxiliary subunit alpha2delta 2; minus strand), LOC127898564 (CYB561D2-LOC101928965; plus strand). Cytogenetic location: 3p21.31.
Variant type: single nucleotide variant.
Coding change: c.3397C>T on transcript NM_006030.4 (MANE Select); coding-DNA position 3397, C replaced by T.
Protein change: p.Pro1133Ser; replaces proline 1133 with serine.
Molecular consequence: missense variant.
Genome position (GRCh38, 1-based): chr3:50,364,701, G>A on the plus strand (C>T on the coding strand, the complement: CACNA2D2 is on the minus strand). VCF-style: chr3-50364701-G-A. GRCh37 (hg19) VCF-style: chr3-50402132-G-A.
Other names: c.3403C>T, p.Pro1135Ser (NM_001005505.3); c.3418C>T, p.Pro1140Ser (NM_001174051.3); c.3196C>T, p.Pro1066Ser (NM_001291101.1); c.3400C>T, p.Pro1134Ser (NM_001410768.1); short protein forms P1133S, P1134S, P1140S, P1066S, P1135S.
Identifiers: ClinVar variation 1945979 (VCV001945979.2), dbSNP rs890532196, ClinGen allele CA74654529.

ClinVar aggregate classification (germline): Uncertain significance (1 of 4 stars; one submission).

Conditions:
Developmental and epileptic encephalopathy. Identifiers: MedGen C5779964, MONDO:0100620.

Allele frequency attached by ClinVar (database versions not stated): gnomAD 0.00002.
gnomAD v4.1: 6 of 1,544,488 alleles (0.00039%); highest among the groups gnomAD compares: African/African-American, 0.0055%; no homozygotes.

Submission:

Labcorp Genetics (formerly Invitae), Labcorp
Classification: Uncertain significance for Early-infantile DEE. Last evaluated: 2022-01-19. Review status: criteria provided, single submitter. Criteria: Invitae Variant Classification Sherloc (09022015). Collection method: clinical testing. Allele origin: germline.
Comment: This sequence change replaces proline, which is neutral and non-polar, with serine, which is neutral and polar, at codon 1133 of the CACNA2D2 protein (p.Pro1133Ser). This variant is not present in population databases (gnomAD no frequency). This variant has not been reported in the literature in individuals affected with CACNA2D2-related conditions. Algorithms developed to predict the effect of missense changes on protein structure and function are either unavailable or do not agree on the potential impact of this missense change (SIFT: "Tolerated"; PolyPhen-2: "Possibly Damaging"; Align-GVGD: "Class C0"). In summary, the available evidence is currently insufficient to determine the role of this variant in disease. Therefore, it has been classified as a Variant of Uncertain Significance.